The following is an entry in ClinVar:

ClinVar aggregate classification (germline): Uncertain significance (1 of 4 stars; one submission).

Conditions:
Fabry disease. Also called: Fabry's disease; ALPHA-GALACTOSIDASE A DEFICIENCY; ANDERSON-FABRY DISEASE; CERAMIDE TRIHEXOSIDASE DEFICIENCY; GLA DEFICIENCY; HEREDITARY DYSTOPIC LIPIDOSIS. Identifiers: Orphanet 324, MedGen C0002986, MONDO:0010526, OMIM 301500, HP:0001071. Disease mechanism: Fabry disease is due to inactivating mutations in the X-linked GLA gene resulting in deficiency of the enzyme Alpha Galactosidase-A., loss of function.

Submission:

Labcorp Genetics (formerly Invitae), Labcorp
Classification: Uncertain significance for Fabry disease. Last evaluated: 2025-09-16. Review status: criteria provided, single submitter. Criteria: Invitae Variant Classification Sherloc (09022015). Collection method: clinical testing. Allele origin: germline.
Comment: This sequence change replaces alanine, which is neutral and non-polar, with serine, which is neutral and polar, at codon 20 of the GLA protein (p.Ala20Ser). This variant is not present in population databases (gnomAD no frequency). This variant has not been reported in the literature in individuals affected with GLA-related conditions. Invitae Evidence Modeling of protein sequence and biophysical properties (such as structural, functional, and spatial information, amino acid conservation, physicochemical variation, residue mobility, and thermodynamic stability) has been performed for this missense variant. However, the output from this modeling did not meet the statistical confidence thresholds required to predict the impact of this variant on GLA protein function. This variant disrupts the p.Ala20 amino acid residue in GLA. Other variant(s) that disrupt this residue have been determined to be pathogenic (PMID: 7596372, 23935525, 26415523, 27657681). This suggests that this residue is clinically significant, and that variants that disrupt this residue are likely to be disease-causing. In summary, the available evidence is currently insufficient to determine the role of this variant in disease. Therefore, it has been classified as a Variant of Uncertain Significance.

Literature cited by the submitters: PubMed 7596372; PubMed 23935525; PubMed 26415523; PubMed 27657681.

NM_000169.3(GLA):c.58G>T (p.Ala20Ser)

Genes: GLA (galactosidase alpha; minus strand), RPL36A-HNRNPH2 (RPL36A-HNRNPH2 readthrough; plus strand). Cytogenetic location: Xq22.1.
Variant type: single nucleotide variant.
Coding change: c.58G>T on transcript NM_000169.3 (MANE Select); coding-DNA position 58, G replaced by T.
Protein change: p.Ala20Ser; replaces alanine 20 with serine.
Molecular consequence: missense variant. On other transcripts: non-coding transcript variant (3), intron variant (2).
Genome position (GRCh38, 1-based): chrX:101,407,846, C>A on the plus strand (G>T on the coding strand, the complement: GLA is on the minus strand). VCF-style: chrX-101407846-C-A. GRCh37 (hg19) VCF-style: chrX-100662834-C-A.
Other names: c.58G>T, p.Ala20Ser (NM_001406747.1, NM_001406748.1, NM_001406749.1); c.301-4090C>A (NM_001199973.2); c.178-4090C>A (NM_001199974.2); short protein forms A20S.
Identifiers: ClinVar variation 4738707 (VCV004738707.1).
Genomic context (GRCh38, chrX:101,407,846, plus strand): 5'-GCGTCCTTGCCAATCCATTGTCCAGTGCTCTAGCCCCAGGGATGTCCCAGGAAACGAGGG[C>A]CAGGAAGCGAAGCGCAAGCGCGCAGCCCAGATGTAGTTCTGGGTTCCTCAGCTGCATTGT-3'
Protein context (NP_000160.1, residues 10-30): LGCALALRFL[Ala20Ser]LVSWDIPGAR